The following is an entry in ClinVar:

NM_015559.3(SETBP1):c.4680dup (p.Ala1561fs)

Gene: SETBP1 (SET binding protein 1; plus strand). Cytogenetic location: 18q12.3.
Variant type: Duplication.
Coding change: c.4680dup on transcript NM_015559.3 (MANE Select); coding-DNA position 4680, one base duplicated (C; older notation c.4680dupC).
Protein change: p.Ala1561fs; shifts the reading frame from alanine 1561.
Molecular consequence: frameshift variant.
Genome position (GRCh38, 1-based): chr18:45,063,587, C duplicated; the last of 5 consecutive C bases (chr18:45,063,583-45,063,587); duplicating any one gives the same sequence. VCF-style (leftmost placement, unchanged base first): chr18-45063582-G-GC. GRCh37 (hg19) VCF-style: chr18-42643547-G-GC.
Other names: c.4680dup, p.Ala1561fs (NM_001379141.1, NM_001379142.1); c.4509dup, p.Ala1504fs (NM_001410862.1); short protein forms A1561fs, A1504fs.
Identifiers: ClinVar variation 2834683 (VCV002834683.3), dbSNP rs2511371003, ClinGen allele CA2641601231.
Genomic context (GRCh38, chr18:45,063,582, plus strand): 5'-CCCCCGCCACCCCCTCTACCCAAGACCCCCCGAGGCGGAAAGAGGAAACACAAACCGCAG[G>GC]CCCCCGCTCAGCCCCCACAGCAGTCGCCCCCGCAGCAGCCCCTTCCCCAGGAAGAGGAGG-3'

ClinVar aggregate classification (germline): Uncertain significance (1 of 4 stars; one submission).

Submission:

Labcorp Genetics (formerly Invitae), Labcorp
Classification: Uncertain significance. Last evaluated: 2023-02-04. Review status: criteria provided, single submitter. Criteria: Invitae Variant Classification Sherloc (09022015). Collection method: clinical testing. Allele origin: germline.
Comment: Experimental studies and prediction algorithms are not available or were not evaluated, and the functional significance of this variant is currently unknown. In summary, the available evidence is currently insufficient to determine the role of this variant in disease. Therefore, it has been classified as a Variant of Uncertain Significance. This variant has not been reported in the literature in individuals affected with SETBP1-related conditions. This variant is not present in population databases (gnomAD no frequency). This sequence change creates a premature translational stop signal (p.Ala1561Argfs*31) in the SETBP1 gene. While this is not anticipated to result in nonsense mediated decay, it is expected to disrupt the last 36 amino acid(s) of the SETBP1 protein.